The following is an entry in ClinVar:

NM_006563.5(KLF1):c.892G>C (p.Ala298Pro)

Genes: KLF1 (KLF transcription factor 1; minus strand), LOC117125591 (CRISPRi-FlowFISH-validated PRDX2 and RAD23A regulatory element; plus strand). Cytogenetic location: 19p13.13.
Variant type: single nucleotide variant.
Coding change: c.892G>C on transcript NM_006563.5 (MANE Select); coding-DNA position 892, G replaced by C.
Protein change: p.Ala298Pro; replaces alanine 298 with proline.
Molecular consequence: missense variant.
Genome position (GRCh38, 1-based): chr19:12,885,338, C>G on the plus strand (G>C on the coding strand, the complement: KLF1 is on the minus strand). VCF-style: chr19-12885338-C-G. GRCh37 (hg19) VCF-style: chr19-12996152-C-G.
Other names: short protein forms A298P.
Identifiers: ClinVar variation 56891 (VCV000056891.8), dbSNP rs387907598, ClinGen allele CA144518.

ClinVar aggregate classification (germline): Pathogenic. Review status: criteria provided, multiple submitters, no conflicts (2 of 4 stars). 6 submissions from 6 submitters: Pathogenic (4). 2 of the submissions do not count toward it. Last evaluated 2025-09-24.

Conditions:
Anemia, congenital dyserythropoietic, type IVb. Also called: CDA, TYPE IVb; ANEMIA, CONGENITAL, WITH HEREDITARY PERSISTENCE OF FETAL AND EMBRYONIC HEMOGLOBIN. Identifiers: MedGen C5975438, MONDO:0975829, OMIM 620969.
KLF1-related disorder. Also called: KLF1-Related Disorders; KLF1-related condition.
BLOOD GROUP--LUTHERAN INHIBITOR (INLU). Also called: DOMINANT LU (a-b-) PHENOTYPE. Identifiers: MedGen C1292231, OMIM 111150.
Anemia, congenital dyserythropoietic, type IVa. Also called: Congenital dyserythropoietic anemia, type IV; Congenital dyserythropoietic anemia type 4; CDA, TYPE IVa. Identifiers: Orphanet 293825, MedGen C3150926, MONDO:0013355, OMIM 613673.
FETAL HEMOGLOBIN QUANTITATIVE TRAIT LOCUS 6 (HBFQTL6). Also called: HEREDITARY PERSISTENCE OF FETAL HEMOGLOBIN, KLF1-RELATED. Identifiers: Orphanet 251380, MedGen C3150805, OMIM 613566.

Allele frequency attached by ClinVar (database versions not stated): gnomAD exomes below 0.00001.
gnomAD v4.1: 2 of 1,596,986 alleles (0.00013%); highest among the groups gnomAD compares: East Asian, 0.0045%; no homozygotes.

Submissions (6):

Genesolutions, Medical Genetics Institutes, Ho Chi Minh City, Vietnam
Classification: Pathogenic for Anemia, congenital dyserythropoietic, type IVb. Last evaluated: 2025-09-24. Review status: criteria provided, single submitter. Criteria: ACMG Guidelines, 2015. Collection method: clinical testing. Allele origin: germline. Affected: yes.

Variantyx, Inc.
Classification: Pathogenic for Anemia, congenital dyserythropoietic, type IVb. Last evaluated: 2025-06-25. Review status: criteria provided, single submitter. Criteria: Variantyx Assertion Criteria 2022. Collection method: clinical testing. Allele origin: germline. Inheritance: Autosomal recessive inheritance. Affected: yes.
Comment: This is a nonsynonymous variant in the KLF1 gene (OMIM: 600599). Pathogenic variants in this gene have been associated with autosomal recessive congenital dyserythropoietic anemia type IVb. Multiple computational algorithms predict a deleterious effect for this variant (REVEL score: 0.938) (PP3). This variant has a 0.0051% maximum allele frequency in non-founder control populations (PM2). Based on the current evidence, this variant is classified as pathogenic for autosomal recessive congenital dyserythropoietic anemia type IVb.

Labcorp Genetics (formerly Invitae), Labcorp
Classification: Pathogenic. Last evaluated: 2024-08-10. Review status: criteria provided, single submitter. Criteria: Invitae Variant Classification Sherloc (09022015). Collection method: clinical testing. Allele origin: germline.
Comment: This sequence change replaces alanine, which is neutral and non-polar, with proline, which is neutral and non-polar, at codon 298 of the KLF1 protein (p.Ala298Pro). This variant is not present in population databases (gnomAD no frequency). This missense change has been observed in individual(s) with autosomal recessive congenital hemolytic anemia (PMID: 24443441, 34227100). In at least one individual the data is consistent with being in trans (on the opposite chromosome) from a pathogenic variant. ClinVar contains an entry for this variant (Variation ID: 56891). Advanced modeling of protein sequence and biophysical properties (such as structural, functional, and spatial information, amino acid conservation, physicochemical variation, residue mobility, and thermodynamic stability) performed at Invitae indicates that this missense variant is expected to disrupt KLF1 protein function with a positive predictive value of 80%. For these reasons, this variant has been classified as Pathogenic.

Blueprint Genetics
Classification: Pathogenic for KLF1-related disorders. Last evaluated: 2024-07-05. Review status: criteria provided, single submitter. Criteria: ACMG Guidelines, 2015. Collection method: clinical testing. Allele origin: germline. Affected: yes. Observed: 1 variant allele.

OMIM
Classification: Pathogenic for ANEMIA, CONGENITAL DYSERYTHROPOIETIC, TYPE IVb. Last evaluated: 2024-10-03. Review status: no assertion criteria provided. Collection method: literature only. Allele origin: germline. Not counted in ClinVar's aggregate classification.

Department of Medical Genetics, Oslo University Hospital
Classification: Pathogenic for ANEMIA, DYSERYTHROPOIETIC CONGENITAL, TYPE IV; BLOOD GROUP--LUTHERAN INHIBITOR; Fetal hemoglobin quantitative trait locus 6. Review status: no assertion criteria provided. Collection method: not provided. Allele origin: unknown. Not counted in ClinVar's aggregate classification.
Comment: anemia
ClinVar note: Converted during submission from pathogenic to Pathogenic.

Literature cited by the submitters: PubMed 24443441 (cited by 3 submitters); PubMed 34227100 (cited by Labcorp Genetics (formerly Invitae), Labcorp).